The following is an entry in ClinVar:

NM_058216.3(RAD51C):c.34C>A (p.Arg12=)

Gene: RAD51C (RAD51 paralog C; plus strand). Cytogenetic location: 17q22.
Variant type: single nucleotide variant.
Coding change: c.34C>A on transcript NM_058216.3 (MANE Select); coding-DNA position 34, C replaced by A.
Protein change: p.Arg12=; no amino-acid change (arginine 12 retained).
Molecular consequence: synonymous variant. On other transcripts: non-coding transcript variant (2).
Genome position (GRCh38, 1-based): chr17:58,692,677, C>A. VCF-style: chr17-58692677-C-A. GRCh37 (hg19) VCF-style: chr17-56770038-C-A.
Other names: c.34C>A, p.Arg12= (NM_002876.4, NM_058217.1).
Identifiers: ClinVar variation 2987871 (VCV002987871.5), dbSNP rs28910276, ClinGen allele CA501074335.
Genomic context (GRCh38, chr17:58,692,677, plus strand): 5'-GCTCCGGGGTTAGCAGGTGAGCCTGCGATGCGCGGGAAGACGTTCCGCTTTGAAATGCAG[C>A]GGGATTTGGTGAGTTTCCCGCTGTCTCCAGCGGTGCGGGTGAAGCTGGTGTCTGCGGGGT-3'
Protein context (NP_478123.1, residues 2-22): RGKTFRFEMQ[Arg12=]DLVSFPLSPA

ClinVar aggregate classification (germline): Benign/Likely benign. Review status: criteria provided, multiple submitters, no conflicts (2 of 4 stars). 3 submissions from 3 submitters: Benign (1); Likely benign (2). Last evaluated 2025-02-14.

Conditions:
Hereditary cancer-predisposing syndrome. Also called: Hereditary Cancer Syndrome; Hereditary neoplastic syndrome; Neoplastic Syndromes, Hereditary; Tumor predisposition. Identifiers: Orphanet 140162, MedGen C0027672, MeSH D009386, MONDO:0015356.
Breast-ovarian cancer, familial, susceptibility to, 3. Also called: RAD51C-Related Breast/Ovarian Cancer. Identifiers: Orphanet 145, MedGen C3150659, MONDO:0013253, OMIM 613399.
Fanconi anemia complementation group O. Also called: RAD51C-Related Fanconi Anemia. Identifiers: Orphanet 84, MedGen C3150653, MONDO:0013248, OMIM 613390.

gnomAD v4.1: 1 of 1,614,220 alleles (0.000062%); highest among the groups gnomAD compares: Non-Finnish European, 0.000085%; no homozygotes.

Submissions (3):

Myriad Genetics, Inc.
Classification: Benign for Breast-ovarian cancer, familial, susceptibility to, 3. Last evaluated: 2025-02-14. Review status: criteria provided, single submitter. Criteria: Myriad Autosomal Dominant, Autosomal Recessive and X-Linked Classification Criteria (2023). Collection method: clinical testing. Allele origin: unknown.
Comment: This variant is considered benign. This variant is a silent/synonymous amino acid change and it is not expected to impact splicing.

Ambry Genetics
Classification: Likely benign for Hereditary cancer-predisposing syndrome. Last evaluated: 2024-10-29. Review status: criteria provided, single submitter. Criteria: Ambry Variant Classification Scheme 2023. Collection method: clinical testing. Allele origin: germline.

Labcorp Genetics (formerly Invitae), Labcorp
Classification: Likely benign for Fanconi anemia complementation group O. Last evaluated: 2024-09-02. Review status: criteria provided, single submitter. Criteria: Invitae Variant Classification Sherloc (09022015). Collection method: clinical testing. Allele origin: germline.